The following is an entry in ClinVar:

ClinVar aggregate classification (germline): Uncertain significance (1 of 4 stars; one submission).

Conditions:
Cardiovascular phenotype. Identifiers: MedGen CN230736.

Submission:

Ambry Genetics
Classification: Uncertain significance for Cardiovascular phenotype. Last evaluated: 2023-10-16. Review status: criteria provided, single submitter. Criteria: Ambry Variant Classification Scheme 2023. Collection method: clinical testing. Allele origin: germline.
Comment: The c.6891_6892insT variant, located in coding exon 30 of the AKAP9 gene, results from an insertion of one nucleotide at position 6891, causing a translational frameshift with a predicted alternate stop codon (p.N2298*). This alteration is expected to result in protein truncation or nonsense-mediated mRNA decay. However, loss of function of AKAP9 has not been established as a mechanism of disease. The evidence for this gene-disease relationship is limited; therefore, the clinical significance of this alteration is unclear.

NM_005751.5(AKAP9):c.6891_6892insT (p.Asn2298Ter)

Gene: AKAP9 (A-kinase anchoring protein 9; plus strand). Cytogenetic location: 7q21.2.
Variant type: Insertion.
Coding change: c.6891_6892insT on transcript NM_005751.5 (MANE Select); coding-DNA positions 6891 to 6892, T inserted.
Protein change: p.Asn2298Ter; replaces asparagine 2298 with a stop codon.
Molecular consequence: nonsense.
Genome position: GRCh38 VCF-style: chr7-92077821-A-AT. GRCh37 (hg19) VCF-style: chr7-91707135-A-AT.
Other names: c.1536_1537insT, p.Asn513Ter (NM_001379277.1); c.6867_6868insT, p.Asn2290Ter (NM_147185.3); short protein forms N2290*, N2298*, N513*.
Identifiers: ClinVar variation 3225084 (VCV003225084.1), dbSNP rs2535240359, ClinGen allele CA2825001574.